The following is an entry in ClinVar:

NM_001367624.2(ZNF469):c.2102G>A (p.Gly701Glu)

Gene: ZNF469 (zinc finger protein 469; plus strand). Cytogenetic location: 16q24.2.
Variant type: single nucleotide variant.
Coding change: c.2102G>A on transcript NM_001367624.2 (MANE Select); coding-DNA position 2102, G replaced by A.
Protein change: p.Gly701Glu; replaces glycine 701 with glutamic acid.
Molecular consequence: missense variant.
Genome position (GRCh38, 1-based): chr16:88,429,572, G>A. VCF-style: chr16-88429572-G-A. GRCh37 (hg19) VCF-style: chr16-88495980-G-A.
Other names: NM_001127464.1:c.2102G>A; short protein forms G701E.
Identifiers: ClinVar variation 2564248 (VCV002564248.5), dbSNP rs1168596269, ClinGen allele CA397069819.

ClinVar aggregate classification (germline): Uncertain significance. Review status: criteria provided, multiple submitters, no conflicts (2 of 4 stars). 2 submissions from 2 submitters: Uncertain significance (2). Last evaluated 2023-07-22.

Conditions:
Cardiovascular phenotype. Identifiers: MedGen CN230736.

Allele frequency attached by ClinVar (database versions not stated): gnomAD exomes below 0.00001.

Submissions (2):

Labcorp Genetics (formerly Invitae), Labcorp
Classification: Uncertain significance. Last evaluated: 2023-07-22. Review status: criteria provided, single submitter. Criteria: Invitae Variant Classification Sherloc (09022015). Collection method: clinical testing. Allele origin: germline.
Comment: In summary, the available evidence is currently insufficient to determine the role of this variant in disease. Therefore, it has been classified as a Variant of Uncertain Significance. An algorithm developed to predict the effect of missense changes on protein structure and function (PolyPhen-2) suggests that this variant is likely to be disruptive. This sequence change replaces glycine, which is neutral and non-polar, with glutamic acid, which is acidic and polar, at codon 701 of the ZNF469 protein (p.Gly701Glu). This variant is present in population databases (no rsID available, gnomAD 0.002%). ClinVar contains an entry for this variant (Variation ID: 2564248). This variant has not been reported in the literature in individuals affected with ZNF469-related conditions.

Ambry Genetics
Classification: Uncertain significance for Cardiovascular phenotype. Last evaluated: 2023-05-12. Review status: criteria provided, single submitter. Criteria: Ambry Variant Classification Scheme 2023. Collection method: clinical testing. Allele origin: germline.
Comment: The p.G701E variant (also known as c.2102G>A), located in coding exon 1 of the ZNF469 gene, results from a G to A substitution at nucleotide position 2102. The glycine at codon 701 is replaced by glutamic acid, an amino acid with similar properties. This amino acid position is conserved. In addition, this alteration is predicted to be tolerated by in silico analysis. Since supporting evidence is limited at this time, the clinical significance of this alteration remains unclear.